The following is an entry in ClinVar:

ClinVar aggregate classification (germline): Uncertain significance. Review status: criteria provided, multiple submitters, no conflicts (2 of 4 stars). 2 submissions from 2 submitters: Uncertain significance (2). Last evaluated 2025-10-24.

gnomAD v4.1: 12 of 1,594,312 alleles (0.00075%); highest among the groups gnomAD compares: Non-Finnish European, 0.00094%; no homozygotes.

Submissions (2):

Ambry Genetics
Classification: Uncertain significance. Last evaluated: 2025-10-24. Review status: criteria provided, single submitter. Criteria: Ambry Variant Classification Scheme 2023. Collection method: clinical testing. Allele origin: germline.

GeneDx
Classification: Uncertain significance. Last evaluated: 2025-02-06. Review status: criteria provided, single submitter. Criteria: GeneDx Variant Classification Process June 2021. Collection method: clinical testing. Allele origin: germline. Affected: yes.
Comment: Not observed at significant frequency in large population cohorts (gnomAD); In silico analysis supports that this missense variant has a deleterious effect on protein structure/function; Has not been previously published as pathogenic or benign to our knowledge

NM_001039876.3(SYNE4):c.388T>C (p.Trp130Arg)

Gene: SYNE4 (spectrin repeat containing nuclear envelope family member 4; minus strand). Cytogenetic location: 19q13.12.
Variant type: single nucleotide variant.
Coding change: c.388T>C on transcript NM_001039876.3 (MANE Select); coding-DNA position 388, T replaced by C.
Protein change: p.Trp130Arg; replaces tryptophan 130 with arginine.
Molecular consequence: missense variant. On other transcripts: intron variant (1).
Genome position (GRCh38, 1-based): chr19:36,007,160, A>G on the plus strand (T>C on the coding strand, the complement: SYNE4 is on the minus strand). VCF-style: chr19-36007160-A-G. GRCh37 (hg19) VCF-style: chr19-36498062-A-G.
Other names: c.388T>C (NM_001039876.1); c.280-489T>C (NM_001297735.3); short protein forms W130R.
Identifiers: ClinVar variation 4074560 (VCV004074560.2).